The following is an entry in ClinVar:

NM_032271.3(TRAF7):c.64_75del (p.Pro22_Thr25del)

Gene: TRAF7 (TNF receptor associated factor 7; plus strand). Cytogenetic location: 16p13.3.
Variant type: Deletion.
Coding change: c.64_75del on transcript NM_032271.3 (MANE Select); coding-DNA positions 64 to 75, 12 bases deleted (CCAGACGTCACC).
Protein change: p.Pro22_Thr25del.
Genome position (GRCh38, 1-based): chr16:2,163,984-2,163,995, CCAGACGTCACC deleted; deleting any 12 consecutive bases within chr16:2,163,980-2,163,995 gives the same sequence; the c. name uses the placement nearest the transcript's 3' end. VCF-style (leftmost placement, unchanged base first): chr16-2163979-CCACCCCAGACGT-C. GRCh37 (hg19) VCF-style: chr16-2213980-CCACCCCAGACGT-C.
Identifiers: ClinVar variation 3045378 (VCV003045378.19), dbSNP rs764728133, ClinGen allele CA7834339.

ClinVar aggregate classification (germline): Benign. Review status: criteria provided, single submitter (1 of 4 stars). 2 submissions from 2 submitters: Benign (1). 1 of the submissions does not count toward it. Last evaluated 2026-05-01.

Conditions:
TRAF7-related disorder. Also called: TRAF7-related condition.

Submissions (2):

CeGaT Center for Human Genetics Tuebingen
Classification: Benign. Last evaluated: 2026-05-01. Review status: criteria provided, single submitter. Criteria: CeGaT Center For Human Genetics Tuebingen Variant Classification Criteria Version 2. Collection method: clinical testing. Allele origin: germline. Affected: yes. Observed: 2 variant alleles.
Comment: TRAF7: BS1, BS2

PreventionGenetics, part of Exact Sciences
Classification: Likely benign for TRAF7-related condition. Last evaluated: 2019-12-10. Review status: no assertion criteria provided. Collection method: clinical testing. Allele origin: germline. Not counted in ClinVar's aggregate classification.
Comment: This variant is classified as likely benign based on ACMG/AMP sequence variant interpretation guidelines (Richards et al. 2015 PMID: 25741868, with internal and published modifications).